The following is an entry in ClinVar:

NM_001849.4(COL6A2):c.2311_2325dup (p.Ile775_Ala776insAsnLeuTyrSerIle)

Gene: COL6A2 (collagen type VI alpha 2 chain; plus strand). Cytogenetic location: 21q22.3.
Variant type: Duplication.
Coding change: c.2311_2325dup on transcript NM_001849.4 (MANE Select); coding-DNA positions 2311 to 2325, 15 bases duplicated (AACCTCTACTCCATC).
Protein change: p.Ile775_Ala776insAsnLeuTyrSerIle.
Molecular consequence: inframe insertion.
Genome position (GRCh38, 1-based): chr21:46,126,126-46,126,140, AACCTCTACTCCATC duplicated. VCF-style (leftmost placement, unchanged base first): chr21-46126125-A-AAACCTCTACTCCATC. GRCh37 (hg19) VCF-style: chr21-47546039-A-AAACCTCTACTCCATC.
Other names: c.2311_2325dup, p.Ile775_Ala776insAsnLeuTyrSerIle (NM_058174.3, NM_058175.3).
Identifiers: ClinVar variation 1709935 (VCV001709935.2), dbSNP rs2517018527, ClinGen allele CA2580098951.

ClinVar aggregate classification (germline): Uncertain significance (1 of 4 stars; one submission).

Conditions:
Bethlem myopathy 1A. Also called: Bethlem Muscular Dystrophy; MYOPATHY, BENIGN CONGENITAL, WITH CONTRACTURES; Bethlem myopathy 1. Identifiers: Orphanet 610, MedGen CN029274, MONDO:0024530, OMIM 158810.

Submission:

MGZ Medical Genetics Center
Classification: Uncertain significance for Bethlem myopathy 1A. Last evaluated: 2021-09-16. Review status: criteria provided, single submitter. Criteria: ACMG Guidelines, 2015. Collection method: clinical testing. Allele origin: germline. Affected: yes. Observed: 1 variant allele.
Comment: ACMG criteria applied: PM4, PM2_SUP